The following is an entry in ClinVar:

NM_000535.7(PMS2):c.2007T>G (p.Ser669Arg)

Gene: PMS2 (PMS1 homolog 2, mismatch repair system component; minus strand). Cytogenetic location: 7p22.1.
Variant type: single nucleotide variant.
Coding change: c.2007T>G on transcript NM_000535.7 (MANE Select); coding-DNA position 2007, T replaced by G.
Protein change: p.Ser669Arg; replaces serine 669 with arginine.
Molecular consequence: missense variant. On other transcripts: nonsense (1), non-coding transcript variant (1), intron variant (4).
Genome position (GRCh38, 1-based): chr7:5,982,991, A>C on the plus strand (T>G on the coding strand, the complement: PMS2 is on the minus strand). VCF-style: chr7-5982991-A-C. GRCh37 (hg19) VCF-style: chr7-6022622-A-C.
Other names: c.1851T>G, p.Ser617Arg (NM_001322006.2, NM_001406870.1); c.1689T>G, p.Ser563Arg (NM_001322007.2, NM_001322008.2, NM_001406876.1 and 1 more transcripts); c.1602T>G, p.Ser534Arg (NM_001322009.2, NM_001406887.1, NM_001406888.1 and 14 more transcripts); c.1446T>G, p.Ser482Arg (NM_001322010.2, NM_001406906.1, NM_001406907.1); c.1074T>G, p.Ser358Arg (NM_001322011.2, NM_001322012.2); c.1434T>G, p.Ser478Arg (NM_001322013.2, NM_001406909.1); c.2007T>G, p.Ser669Arg (NM_001322014.2, NM_001406871.1); c.1698T>G, p.Ser566Arg (NM_001322015.2, NM_001406875.1, NM_001406877.1 and 5 more transcripts); and 16 more; short protein forms S498R, S511R, S563R, S677R, S514R, S669R, S731R, S412R.
Identifiers: ClinVar variation 3890955 (VCV003890955.1).

ClinVar aggregate classification (germline): Uncertain significance (1 of 4 stars; one submission).

Conditions:
Hereditary cancer-predisposing syndrome. Also called: Tumor predisposition; Neoplastic Syndromes, Hereditary; Hereditary Cancer Syndrome; Hereditary neoplastic syndrome. Identifiers: Orphanet 140162, MedGen C0027672, MeSH D009386, MONDO:0015356.

Submission:

Ambry Genetics
Classification: Uncertain significance for Hereditary cancer-predisposing syndrome. Last evaluated: 2024-12-15. Review status: criteria provided, single submitter. Criteria: Ambry Variant Classification Scheme 2023. Collection method: clinical testing. Allele origin: germline.
Comment: The p.S669R variant (also known as c.2007T>G) is located in coding exon 12 of the PMS2 gene. The serine at codon 669 is replaced by arginine, an amino acid with dissimilar properties. This change occurs in the first base pair of coding exon 12. This amino acid position is conserved. In addition, this alteration is predicted to be tolerated by in silico analysis. Based on the available evidence, the clinical significance of this variant remains unclear.